The following is an entry in ClinVar:

NM_020297.4(ABCC9):c.307C>T (p.His103Tyr)

Gene: ABCC9 (ATP binding cassette subfamily C member 9; minus strand). Cytogenetic location: 12p12.1.
Variant type: single nucleotide variant.
Coding change: c.307C>T on transcript NM_020297.4 (MANE Select); coding-DNA position 307, C replaced by T.
Protein change: p.His103Tyr; replaces histidine 103 with tyrosine.
Molecular consequence: missense variant. On other transcripts: 5 prime UTR variant (1).
Genome position (GRCh38, 1-based): chr12:21,926,041, G>A on the plus strand (C>T on the coding strand, the complement: ABCC9 is on the minus strand). VCF-style: chr12-21926041-G-A. GRCh37 (hg19) VCF-style: chr12-22078975-G-A.
Other names: c.307C>T, p.His103Tyr (NM_001377273.1, NM_005691.4); c.-148C>T (NM_001377274.1); short protein forms H103Y.
Identifiers: ClinVar variation 1500143 (VCV001500143.8), dbSNP rs2138000225, ClinGen allele CA384129611.
Genomic context (GRCh38, chr12:21,926,041, plus strand): 5'-GATAATACACTATCGATGTTGTAGTGGCAACGAATCCCATCACGGCTGGCATAAAGAGGT[G>A]GAGGTGCCTTGATTCCCGCCGCCTAGAAAGAGCAGTACGTCAACGCCTAAAGCTGATGGT-3'
Protein context (NP_064693.2, residues 93-113): SDSRRESRHL[His103Tyr]LFMPAVMGFV

ClinVar aggregate classification (germline): Uncertain significance (1 of 4 stars; one submission).

Conditions:
Dilated cardiomyopathy 1O (CMD1O). Also called: CARDIOMYOPATHY, DILATED, WITH VENTRICULAR TACHYCARDIA. Identifiers: Orphanet 154, MedGen C1837839, MONDO:0012062, OMIM 608569.

Submission:

Labcorp Genetics (formerly Invitae), Labcorp
Classification: Uncertain significance for Dilated cardiomyopathy 1O. Last evaluated: 2020-11-15. Review status: criteria provided, single submitter. Criteria: Invitae Variant Classification Sherloc (09022015). Collection method: clinical testing. Allele origin: germline.
Comment: This sequence change replaces histidine with tyrosine at codon 103 of the ABCC9 protein (p.His103Tyr). The histidine residue is highly conserved and there is a moderate physicochemical difference between histidine and tyrosine. This variant is not present in population databases (ExAC no frequency). This variant has not been reported in the literature in individuals with ABCC9-related conditions. Algorithms developed to predict the effect of missense changes on protein structure and function are either unavailable or do not agree on the potential impact of this missense change (SIFT: "Tolerated"; PolyPhen-2: "Possibly Damaging"; Align-GVGD: "Class C0"). In summary, the available evidence is currently insufficient to determine the role of this variant in disease. Therefore, it has been classified as a Variant of Uncertain Significance.